The following is an entry in ClinVar:

NM_000388.4(CASR):c.2840C>A (p.Pro947His)

Gene: CASR (calcium sensing receptor; plus strand). Cytogenetic location: 3q21.1.
Variant type: single nucleotide variant.
Coding change: c.2840C>A on transcript NM_000388.4 (MANE Select); coding-DNA position 2840, C replaced by A.
Protein change: p.Pro947His; replaces proline 947 with histidine.
Molecular consequence: missense variant.
Genome position (GRCh38, 1-based): chr3:122,284,794, C>A. VCF-style: chr3-122284794-C-A. GRCh37 (hg19) VCF-style: chr3-122003641-C-A.
Other names: c.2870C>A, p.Pro957His (NM_001178065.2); short protein forms P947H, P957H.
Identifiers: ClinVar variation 650175 (VCV000650175.11), dbSNP rs767292478, ClinGen allele CA354160890.

ClinVar aggregate classification (germline): Uncertain significance (1 of 4 stars; one submission).

Conditions:
Autosomal dominant hypocalcemia 1 (HYPOC1). Also called: HYPOCALCEMIA, FAMILIAL. Identifiers: MedGen C3715128, MONDO:0011013, OMIM 601198.
Familial hypocalciuric hypercalcemia (FHH). Also called: Familial benign hypercalcemia. Identifiers: Orphanet 405, MedGen C1809471, MONDO:0018458.

Submission:

Labcorp Genetics (formerly Invitae), Labcorp
Classification: Uncertain significance for Familial hypocalciuric hypercalcemia; Autosomal dominant hypocalcemia 1. Last evaluated: 2019-11-01. Review status: criteria provided, single submitter. Criteria: Invitae Variant Classification Sherloc (09022015). Collection method: clinical testing. Allele origin: germline.
Comment: In summary, the available evidence is currently insufficient to determine the role of this variant in disease. Therefore, it has been classified as a Variant of Uncertain Significance. Algorithms developed to predict the effect of missense changes on protein structure and function are either unavailable or do not agree on the potential impact of this missense change (SIFT: "Deleterious"; PolyPhen-2: "Possibly Damaging"; Align-GVGD: "Class C0"). This variant has not been reported in the literature in individuals with CASR-related conditions. This variant is not present in population databases (ExAC no frequency). This sequence change replaces proline with histidine at codon 947 of the CASR protein (p.Pro947His). The proline residue is moderately conserved and there is a moderate physicochemical difference between proline and histidine.